The following is an entry in ClinVar:

NM_003801.4(GPAA1):c.800C>T (p.Thr267Met)

Gene: GPAA1 (glycosylphosphatidylinositol anchor attachment 1; plus strand). Cytogenetic location: 8q24.3.
Variant type: single nucleotide variant.
Coding change: c.800C>T on transcript NM_003801.4 (MANE Select); coding-DNA position 800, C replaced by T.
Protein change: p.Thr267Met; replaces threonine 267 with methionine.
Molecular consequence: missense variant.
Genome position (GRCh38, 1-based): chr8:144,084,317, C>T. VCF-style: chr8-144084317-C-T. GRCh37 (hg19) VCF-style: chr8-145139220-C-T.
Other names: c.800C>T (NM_003801.3); short protein forms T267M.
Identifiers: ClinVar variation 1386971 (VCV001386971.6), dbSNP rs368386520, ClinGen allele CA4932923.

ClinVar aggregate classification (germline): Uncertain significance. Review status: criteria provided, multiple submitters, no conflicts (2 of 4 stars). 3 submissions from 3 submitters: Uncertain significance (2). 1 of the submissions does not count toward it. Last evaluated 2024-05-30.

Conditions:
Inborn genetic diseases. Identifiers: MedGen C0950123, MeSH D030342.
GPAA1-related disorder. Also called: GPAA1-related condition.

Allele frequency attached by ClinVar (database versions not stated): ExAC 0.00003; gnomAD exomes 0.00004 and 0.00011; gnomAD 0.00005 and 0.00006; TOPMed 0.00006; ESP Exome Variant Server 0.00008.

Submissions (3):

Ambry Genetics
Classification: Uncertain significance for Inborn genetic diseases. Last evaluated: 2024-05-30. Review status: criteria provided, single submitter. Criteria: Ambry Variant Classification Scheme 2023. Collection method: clinical testing. Allele origin: germline.

Labcorp Genetics (formerly Invitae), Labcorp
Classification: Uncertain significance. Last evaluated: 2022-05-31. Review status: criteria provided, single submitter. Criteria: Invitae Variant Classification Sherloc (09022015). Collection method: clinical testing. Allele origin: germline.
Comment: This sequence change replaces threonine, which is neutral and polar, with methionine, which is neutral and non-polar, at codon 267 of the GPAA1 protein (p.Thr267Met). This variant is present in population databases (rs368386520, gnomAD 0.009%). This variant has not been reported in the literature in individuals affected with GPAA1-related conditions. ClinVar contains an entry for this variant (Variation ID: 1386971). Algorithms developed to predict the effect of missense changes on protein structure and function are either unavailable or do not agree on the potential impact of this missense change (SIFT: "Deleterious"; PolyPhen-2: "Possibly Damaging"; Align-GVGD: "Class C0"). In summary, the available evidence is currently insufficient to determine the role of this variant in disease. Therefore, it has been classified as a Variant of Uncertain Significance.

PreventionGenetics, part of Exact Sciences
Classification: Uncertain significance for GPAA1-related condition. Last evaluated: 2023-12-22. Review status: no assertion criteria provided. Collection method: clinical testing. Allele origin: germline. Not counted in ClinVar's aggregate classification.
Comment: The GPAA1 c.800C>T variant is predicted to result in the amino acid substitution p.Thr267Met. To our knowledge, this variant has not been reported in the literature. This variant is reported in 0.0094% of alleles in individuals of European (Non-Finnish) descent in gnomAD. At this time, the clinical significance of this variant is uncertain due to the absence of conclusive functional and genetic evidence.